The following is an entry in ClinVar:

NM_005912.3(MC4R):c.155T>C (p.Val52Ala)

Gene: MC4R (melanocortin 4 receptor; minus strand). Cytogenetic location: 18q21.32.
Variant type: single nucleotide variant.
Coding change: c.155T>C on transcript NM_005912.3 (MANE Select); coding-DNA position 155, T replaced by C.
Protein change: p.Val52Ala; replaces valine 52 with alanine.
Molecular consequence: missense variant.
Genome position (GRCh38, 1-based): chr18:60,372,195, A>G on the plus strand (T>C on the coding strand, the complement: MC4R is on the minus strand). VCF-style: chr18-60372195-A-G. GRCh37 (hg19) VCF-style: chr18-58039428-A-G.
Other names: short protein forms V52A.
Identifiers: ClinVar variation 4989324 (VCV004989324.1).
Genomic context (GRCh38, chr18:60,372,195, plus strand): 5'-TTCTTGGCTATTGCCACAATCACTAAGATATTCTCCAACAAGCTGATGACACCCAGAGTC[A>G]CAAACACCTCAGGAGAGACAAAAAGTTGCTCGTAGCACCCTCCATCAGAGTAGCCTTTTC-3'
Protein context (NP_005903.2, residues 42-62): EQLFVSPEVF[Val52Ala]TLGVISLLEN

ClinVar aggregate classification (germline): Uncertain significance (1 of 4 stars; one submission).

Conditions:
MC4R-related disorder. Also called: MC4R-related condition.

Submission:

PreventionGenetics, part of Exact Sciences
Classification: Uncertain significance for MC4R-related condition. Last evaluated: 2025-12-18. Review status: criteria provided, single submitter. Criteria: ACMG Guidelines, 2015. Collection method: clinical testing. Allele origin: germline.
Comment: The MC4R c.155T>C variant is predicted to result in the amino acid substitution p.Val52Ala. This variant was reported in an individual with mild obesity (S1 Table, Serra-Juhé et al. 2020. PubMed ID: 30926952). This variant was also reported de novo in at least one individual with bipolar disorder (Kataoka et al. 2016. PubMed ID: 27217147; Supplementary Data 1, Nishioka et al. 2021. PubMed ID: 34145229). A different amino acid substitution at this position (c.155T>A, p.Val52Glu) was reported in a mother and child with early-onset obesity and functional studies indicate the p.Val52 residue is relevant for protein function (Fernández et al. 2023. PubMed ID: 36210601). This variant has not been reported in a large population database (gnomAD), indicating this variant is rare. Although we suspect this variant is pathogenic, at this time, the clinical significance of this variant is uncertain due to the absence of conclusive functional and genetic evidence.